The following is an entry in ClinVar:

NM_198076.6(COX20):c.61T>C (p.Phe21Leu)

Gene: COX20 (cytochrome c oxidase assembly factor COX20; plus strand). Cytogenetic location: 1q44.
Variant type: single nucleotide variant.
Coding change: c.61T>C on transcript NM_198076.6 (MANE Select); coding-DNA position 61, T replaced by C.
Protein change: p.Phe21Leu; replaces phenylalanine 21 with leucine.
Molecular consequence: missense variant. On other transcripts: non-coding transcript variant (1), intron variant (1).
Genome position (GRCh38, 1-based): chr1:244,841,962, T>C. VCF-style: chr1-244841962-T-C. GRCh37 (hg19) VCF-style: chr1-245005264-T-C.
Other names: c.61T>C, p.Phe21Leu (NM_001312871.1, NM_001312874.1); c.97T>C, p.Phe33Leu (NM_001312872.1); c.23-233T>C (NM_001312873.1); short protein forms F21L, F33L.
Identifiers: ClinVar variation 1968455 (VCV001968455.2), dbSNP rs1680217662, ClinGen allele CA345676211.

ClinVar aggregate classification (germline): Uncertain significance (1 of 4 stars; one submission).

gnomAD v4.1: 1 of 1,596,904 alleles (0.000063%); highest among the groups gnomAD compares: Non-Finnish European, 0.000086%; no homozygotes.

Submission:

Labcorp Genetics (formerly Invitae), Labcorp
Classification: Uncertain significance. Last evaluated: 2022-08-12. Review status: criteria provided, single submitter. Criteria: Invitae Variant Classification Sherloc (09022015). Collection method: clinical testing. Allele origin: germline.
Comment: This sequence change replaces phenylalanine, which is neutral and non-polar, with leucine, which is neutral and non-polar, at codon 21 of the COX20 protein (p.Phe21Leu). This variant is not present in population databases (gnomAD no frequency). This variant has not been reported in the literature in individuals affected with COX20-related conditions. Algorithms developed to predict the effect of missense changes on protein structure and function (SIFT, PolyPhen-2, Align-GVGD) all suggest that this variant is likely to be tolerated. In summary, the available evidence is currently insufficient to determine the role of this variant in disease. Therefore, it has been classified as a Variant of Uncertain Significance.